The following is an entry in ClinVar:

ClinVar aggregate classification (germline): Uncertain significance (1 of 4 stars; one submission).

Conditions:
Familial focal epilepsy with variable foci (FPEVF). Identifiers: Orphanet 98820, MedGen C1858477, MONDO:0020310.

gnomAD v4.1: 1 of 1,604,568 alleles (0.000062%); highest among the groups gnomAD compares: Non-Finnish European, 0.000085%; no homozygotes.

Submission:

Labcorp Genetics (formerly Invitae), Labcorp
Classification: Uncertain significance for Familial focal epilepsy with variable foci. Last evaluated: 2022-07-26. Review status: criteria provided, single submitter. Criteria: Invitae Variant Classification Sherloc (09022015). Collection method: clinical testing. Allele origin: germline.
Comment: This sequence change falls in intron 4 of the DEPDC5 gene. It does not directly change the encoded amino acid sequence of the DEPDC5 protein. It affects a nucleotide within the consensus splice site. This variant is not present in population databases (gnomAD no frequency). This variant has not been reported in the literature in individuals affected with DEPDC5-related conditions. ClinVar contains an entry for this variant (Variation ID: 1436620). Variants that disrupt the consensus splice site are a relatively common cause of aberrant splicing (PMID: 17576681, 9536098). Algorithms developed to predict the effect of sequence changes on RNA splicing suggest that this variant may disrupt the consensus splice site. In summary, the available evidence is currently insufficient to determine the role of this variant in disease. Therefore, it has been classified as a Variant of Uncertain Significance.

Literature cited by the submitters: PubMed 17576681; PubMed 9536098.

NM_001242896.3(DEPDC5):c.193+5G>A

Gene: DEPDC5 (DEP domain containing 5, GATOR1 subcomplex subunit; plus strand). Cytogenetic location: 22q12.2.
Variant type: single nucleotide variant.
Coding change: c.193+5G>A on transcript NM_001242896.3 (MANE Select); 5 bases into the intron after coding-DNA position 193, G replaced by A.
Molecular consequence: intron variant.
Genome position (GRCh38, 1-based): chr22:31,760,707, G>A. VCF-style: chr22-31760707-G-A. GRCh37 (hg19) VCF-style: chr22-32156693-G-A.
Other names: c.193+5G>A (NM_001364318.2, NM_001136029.4, NM_014662.6 and 9 more transcripts).
Identifiers: ClinVar variation 1436620 (VCV001436620.6), dbSNP rs2082316143, ClinGen allele CA2573158141.